The following is an entry in ClinVar:

ClinVar aggregate classification (germline): Uncertain significance. Review status: criteria provided, multiple submitters, no conflicts (2 of 4 stars). 2 submissions from 2 submitters: Uncertain significance (2). Last evaluated 2022-10-17.

Conditions:
Isovaleryl-CoA dehydrogenase deficiency (IVA). Also called: ISOVALERIC ACID CoA DEHYDROGENASE DEFICIENCY; Classic Isovaleric Acidemia; Isovaleric acidemia; IVD DEFICIENCY. Identifiers: Orphanet 33, MedGen C0268575, MONDO:0009475, OMIM 243500.

Allele frequency attached by ClinVar (database versions not stated): ExAC 0.00002; gnomAD 0.00008.

Submissions (2):

Labcorp Genetics (formerly Invitae), Labcorp
Classification: Uncertain significance for Isovaleryl-CoA dehydrogenase deficiency. Last evaluated: 2022-10-17. Review status: criteria provided, single submitter. Criteria: Invitae Variant Classification Sherloc (09022015). Collection method: clinical testing. Allele origin: germline.
Comment: This sequence change replaces methionine, which is neutral and non-polar, with isoleucine, which is neutral and non-polar, at codon 167 of the IVD protein (p.Met167Ile). This variant is present in population databases (rs748713834, gnomAD 0.02%). This variant has not been reported in the literature in individuals affected with IVD-related conditions. ClinVar contains an entry for this variant (Variation ID: 1707005). Algorithms developed to predict the effect of missense changes on protein structure and function are either unavailable or do not agree on the potential impact of this missense change (SIFT: "Deleterious"; PolyPhen-2: "Possibly Damaging"; Align-GVGD: "Class C0"). This variant disrupts the p.Met167 amino acid residue in IVD. Other variant(s) that disrupt this residue have been determined to be pathogenic (PMID: 26018748, 27904153, 31707166). This suggests that this residue is clinically significant, and that variants that disrupt this residue are likely to be disease-causing. In summary, the available evidence is currently insufficient to determine the role of this variant in disease. Therefore, it has been classified as a Variant of Uncertain Significance.

GeneDx
Classification: Uncertain significance. Last evaluated: 2022-03-21. Review status: criteria provided, single submitter. Criteria: GeneDx Variant Classification Process June 2021. Collection method: clinical testing. Allele origin: germline. Affected: yes.
Comment: In silico analysis supports that this missense variant has a deleterious effect on protein structure/function; Has not been previously published as pathogenic or benign to our knowledge

Literature cited by the submitters: PubMed 26018748 (cited by Labcorp Genetics (formerly Invitae), Labcorp); PubMed 27904153 (cited by Labcorp Genetics (formerly Invitae), Labcorp); PubMed 31707166 (cited by Labcorp Genetics (formerly Invitae), Labcorp).

NM_002225.5(IVD):c.492G>A (p.Met164Ile)

Gene: IVD (isovaleryl-CoA dehydrogenase; plus strand). Cytogenetic location: 15q15.1.
Variant type: single nucleotide variant.
Coding change: c.492G>A on transcript NM_002225.5 (MANE Select); coding-DNA position 492, G replaced by A.
Protein change: p.Met164Ile; replaces methionine 164 with isoleucine.
Molecular consequence: missense variant. On other transcripts: non-coding transcript variant (1).
Genome position (GRCh38, 1-based): chr15:40,411,295, G>A. VCF-style: chr15-40411295-G-A. GRCh37 (hg19) VCF-style: chr15-40703494-G-A.
Other names: c.402G>A, p.Met134Ile (NM_001159508.3); c.444G>A, p.Met148Ile (NM_001354597.3); c.492G>A, p.Met164Ile (NM_001354598.3, NM_001354601.3); c.579G>A, p.Met193Ile (NM_001354599.3, NM_001354600.3); short protein forms M134I, M148I, M164I, M193I.
Identifiers: ClinVar variation 1707005 (VCV001707005.5), dbSNP rs748713834, ClinGen allele CA7480654.